The following is an entry in ClinVar:

NM_000138.5(FBN1):c.794C>T (p.Thr265Ile)

Gene: FBN1 (fibrillin 1; minus strand). Cytogenetic location: 15q21.1.
Variant type: single nucleotide variant.
Coding change: c.794C>T on transcript NM_000138.5 (MANE Select); coding-DNA position 794, C replaced by T.
Protein change: p.Thr265Ile; replaces threonine 265 with isoleucine.
Molecular consequence: missense variant.
Genome position (GRCh38, 1-based): chr15:48,534,148, G>A on the plus strand (C>T on the coding strand, the complement: FBN1 is on the minus strand). VCF-style: chr15-48534148-G-A. GRCh37 (hg19) VCF-style: chr15-48826345-G-A.
Other names: short protein forms T265I.
Identifiers: ClinVar variation 691913 (VCV000691913.4), dbSNP rs762310407, ClinGen allele CA059360.
Genomic context (GRCh38, chr15:48,534,148, plus strand): 5'-TTTTGTGACACTTCATTAAGTTTGTGTCCAGCAGGGCATTTGCACTCAAAAGACCCAACA[G>A]TATTAATGCAATTTCCTCCCTGACAGAGCCCGGGGATGGCCTGGCATTCATCCACATCTG-3'
Protein context (NP_000129.3, residues 255-275): GLCQGGNCIN[Thr265Ile]VGSFECKCPA

ClinVar aggregate classification (germline): Uncertain significance. Review status: criteria provided, multiple submitters, no conflicts (2 of 4 stars). 2 submissions from 2 submitters: Uncertain significance (2). Last evaluated 2020-10-19.

Conditions:
Craniosynostosis syndrome. Also called: Craniosynostosis. Identifiers: Orphanet 1531, MedGen C0010278, MeSH D003398, MONDO:0015469, HP:0001363.
Familial thoracic aortic aneurysm and aortic dissection (TAAD). Also called: Thoracic aortic aneurysms and dissections. Identifiers: Orphanet 91387, MedGen C4707243, MONDO:0019625.

Allele frequency attached by ClinVar (database versions not stated): gnomAD 0.00001; gnomAD exomes 0.00001 and 0.00002; ExAC 0.00002.
gnomAD v4.1: 14 of 1,612,934 alleles (0.00087%); highest among the groups gnomAD compares: Admixed American, 0.0017%; no homozygotes.

Submissions (2):

Color Diagnostics, LLC DBA Color Health
Classification: Uncertain significance for Familial thoracic aortic aneurysm and aortic dissection. Last evaluated: 2020-10-19. Review status: criteria provided, single submitter. Criteria: ACMG Guidelines, 2015. Collection method: clinical testing. Allele origin: germline.
Comment: This missense variant replaces threonine with isoleucine at codon 265 of the FBN1 protein. Computational prediction suggests that this variant may have deleterious impact on protein structure and function (internally defined REVEL score threshold >= 0.7, PMID: 27666373). To our knowledge, functional studies have not been reported for this variant. This variant has not been reported in individuals affected with cardiovascular disorders in the literature. This variant has been identified in 3/251472 chromosomes in the general population by the Genome Aggregation Database (gnomAD). The available evidence is insufficient to determine the role of this variant in disease conclusively. Therefore, this variant is classified as a Variant of Uncertain Significance.

Klinisk genetik och genomik Research, Gothenburg University
Classification: Uncertain significance for Craniosynostosis. Last evaluated: 2019-09-25. Review status: criteria provided, single submitter. Criteria: ACMG Guidelines, 2015. Collection method: research. Allele origin: germline. Affected: yes.
Comment: Co-segregating with pathogenic variant in FGFR2 and VOUS in IGF1R

Literature cited by the submitters: PubMed 31837199 (cited by Klinisk genetik och genomik Research, Gothenburg University).